The following is an entry in ClinVar:

NM_000179.3(MSH6):c.3583A>G (p.Ser1195Gly)

Gene: MSH6 (mutS homolog 6; plus strand). Cytogenetic location: 2p16.3.
Variant type: single nucleotide variant.
Coding change: c.3583A>G on transcript NM_000179.3 (MANE Select); coding-DNA position 3583, A replaced by G.
Protein change: p.Ser1195Gly; replaces serine 1195 with glycine.
Molecular consequence: missense variant. On other transcripts: non-coding transcript variant (5).
Genome position (GRCh38, 1-based): chr2:47,805,644, A>G. VCF-style: chr2-47805644-A-G. GRCh37 (hg19) VCF-style: chr2-48032783-A-G.
Other names: c.3193A>G, p.Ser1065Gly (NM_001281492.2); c.2677A>G, p.Ser893Gly (NM_001281493.2, NM_001281494.2, NM_001406811.1 and 6 more transcripts); c.3679A>G, p.Ser1227Gly (NM_001406795.1, NM_001406802.1); c.3583A>G, p.Ser1195Gly (NM_001406796.1, NM_001406800.1, NM_001406808.1 and 1 more transcripts); c.3286A>G, p.Ser1096Gly (NM_001406797.1, NM_001406801.1, NM_001406805.1 and 10 more transcripts); c.3409A>G, p.Ser1137Gly (NM_001406798.1); c.3058A>G, p.Ser1020Gly (NM_001406799.1, NM_001406806.1, NM_001406807.1); c.2719A>G, p.Ser907Gly (NM_001406803.1); and 7 more; short protein forms S1020G, S1065G, S1096G, S1137G, S1139G, S1169G, S1195G, S1197G.
Identifiers: ClinVar variation 2676808 (VCV002676808.2), dbSNP rs2104523211, ClinGen allele CA346760519.

ClinVar aggregate classification (germline): Uncertain significance. Review status: criteria provided, multiple submitters, no conflicts (2 of 4 stars). 2 submissions from 2 submitters: Uncertain significance (2). Last evaluated 2024-08-27.

Conditions:
Hereditary cancer-predisposing syndrome. Also called: Neoplastic Syndromes, Hereditary; Tumor predisposition; Hereditary Cancer Syndrome; Hereditary neoplastic syndrome. Identifiers: Orphanet 140162, MedGen C0027672, MeSH D009386, MONDO:0015356.
Endometrial carcinoma. Also called: Endometrial carcinoma, somatic. Identifiers: MedGen C0476089, MONDO:0002447, OMIM 608089, HP:0012114.

Allele frequency attached by ClinVar (database versions not stated): gnomAD exomes below 0.00001.
gnomAD v4.1: 2 of 1,613,578 alleles (0.00012%); highest among the groups gnomAD compares: Middle Eastern, 0.017%; no homozygotes.

Submissions (2):

Ambry Genetics
Classification: Uncertain significance for Hereditary cancer-predisposing syndrome. Last evaluated: 2024-08-27. Review status: criteria provided, single submitter. Criteria: Ambry Variant Classification Scheme 2023. Collection method: clinical testing. Allele origin: germline.
Comment: The p.S1195G variant (also known as c.3583A>G), located in coding exon 7 of the MSH6 gene, results from an A to G substitution at nucleotide position 3583. The serine at codon 1195 is replaced by glycine, an amino acid with similar properties. This amino acid position is well conserved in available vertebrate species. In addition, the in silico prediction for this alteration is inconclusive. Based on the available evidence, the clinical significance of this variant remains unclear.

Baylor Genetics
Classification: Uncertain significance for Endometrial carcinoma. Last evaluated: 2023-06-23. Review status: criteria provided, single submitter. Criteria: ACMG Guidelines, 2015. Collection method: clinical testing. Allele origin: unknown.

Literature cited by the submitters: PubMed 28491141 (cited by Ambry Genetics).